The following is an entry in ClinVar:

ClinVar aggregate classification (germline): Uncertain significance. Review status: criteria provided, multiple submitters, no conflicts (2 of 4 stars). 4 submissions from 4 submitters: Uncertain significance (4). Last evaluated 2025-04-14.

Conditions:
Familial adenomatous polyposis 1 (FAP1). Also called: FAMILIAL ADENOMATOUS POLYPOSIS 1, ATTENUATED; POLYPOSIS, ADENOMATOUS INTESTINAL. Identifiers: MedGen C2713442, MONDO:0021056, OMIM 175100. Disease mechanism: loss of function.
Hereditary cancer-predisposing syndrome. Also called: Tumor predisposition; Hereditary neoplastic syndrome; Neoplastic Syndromes, Hereditary; Hereditary Cancer Syndrome. Identifiers: Orphanet 140162, MedGen C0027672, MeSH D009386, MONDO:0015356.
APC-related disorder. Also called: APC-related condition.

Submissions (4):

Ambry Genetics
Classification: Uncertain significance for Hereditary cancer-predisposing syndrome. Last evaluated: 2025-04-14. Review status: criteria provided, single submitter. Criteria: Ambry Variant Classification Scheme 2023. Collection method: clinical testing. Allele origin: germline.
Comment: The c.170_175delATGAAG variant (also known as p.D57_E58del) is located in coding exon 2 of the APC gene. This variant results from an in-frame ATGAAG deletion at nucleotide positions 170 to 175. This results in the in-frame deletion of two amino acids (DE) at codons 57 and 58. These amino acids are well conserved in available vertebrate species. In addition, this alteration is predicted to be deleterious by in silico analysis (Choi Y et al. PLoS ONE. 2012; 7(10):e46688). Based on the available evidence, the clinical significance of this variant remains unclear.

Labcorp Genetics (formerly Invitae), Labcorp
Classification: Uncertain significance for Familial adenomatous polyposis 1. Last evaluated: 2024-11-27. Review status: criteria provided, single submitter. Criteria: Invitae Variant Classification Sherloc (09022015). Collection method: clinical testing. Allele origin: germline.
Comment: This variant, c.170_175del, results in the deletion of 2 amino acid(s) of the APC protein (p.Asp57_Glu58del), but otherwise preserves the integrity of the reading frame. This variant is present in population databases (no rsID available, gnomAD 0.01%). This variant has not been reported in the literature in individuals affected with APC-related conditions. ClinVar contains an entry for this variant (Variation ID: 629175). Experimental studies and prediction algorithms are not available or were not evaluated, and the functional significance of this variant is currently unknown. In summary, the available evidence is currently insufficient to determine the role of this variant in disease. Therefore, it has been classified as a Variant of Uncertain Significance.

PreventionGenetics, part of Exact Sciences
Classification: Uncertain significance for APC-related condition. Last evaluated: 2022-10-25. Review status: criteria provided, single submitter. Criteria: ACMG Guidelines, 2015. Collection method: clinical testing. Allele origin: germline.
Comment: The APC c.170_175del6 variant is predicted to result in an in-frame deletion (p.Asp57_Glu58del). To our knowledge, this variant has not been reported in the literature. This variant is reported in 1 of ~31,000 alleles in gnomAD. It is interpreted as uncertain significance in ClinVar. At this time, the clinical significance of this variant is uncertain due to the absence of conclusive functional and genetic evidence.

Color Diagnostics, LLC DBA Color Health
Classification: Uncertain significance for Hereditary cancer-predisposing syndrome. Last evaluated: 2019-03-06. Review status: criteria provided, single submitter. Criteria: ACMG Guidelines, 2015. Collection method: clinical testing. Allele origin: germline.

NM_000038.6(APC):c.170_175del (p.Asp57_Glu58del)

Gene: APC (APC regulator of Wnt signaling pathway; plus strand). Cytogenetic location: 5q22.2.
Variant type: Deletion.
Coding change: c.170_175del on transcript NM_000038.6 (MANE Select); coding-DNA positions 170 to 175, 6 bases deleted (ATGAAG; older notation c.170_175delATGAAG).
Protein change: p.Asp57_Glu58del.
Molecular consequence: inframe deletion. On other transcripts: 5 prime UTR variant (4).
Genome position (GRCh38, 1-based): chr5:112,766,360-112,766,365, ATGAAG deleted; deleting any 6 consecutive bases within chr5:112,766,355-112,766,365 gives the same sequence; the c. name uses the placement nearest the transcript's 3' end. VCF-style (leftmost placement, unchanged base first): chr5-112766354-TTGAAGA-T. GRCh37 (hg19) VCF-style: chr5-112102051-TTGAAGA-T.
Other names: c.170_175delATGAAG (NM_000038.5); c.170_175del, p.Asp57_Glu58del (NM_001127510.3, NM_001354895.2, NM_001354896.2 and 2 more transcripts); c.200_205del, p.Asp67_Glu68del (NM_001127511.3, NM_001354897.2, NM_001354902.2); c.95_100del, p.Asp32_Glu33del (NM_001354898.2, NM_001354904.2); c.-8_-3del (NM_001354900.2, NM_001354901.2, NM_001354905.2); c.-866_-861del (NM_001354906.2).
Identifiers: ClinVar variation 629175 (VCV000629175.14), dbSNP rs1167769425, ClinGen allele CA561903222.